The following is an entry in ClinVar:

NM_006267.5(RANBP2):c.871A>G (p.Met291Val)

Gene: RANBP2 (RAN binding protein 2; plus strand). Cytogenetic location: 2q13.
Variant type: single nucleotide variant.
Coding change: c.871A>G on transcript NM_006267.5 (MANE Select); coding-DNA position 871, A replaced by G.
Protein change: p.Met291Val; replaces methionine 291 with valine.
Molecular consequence: missense variant.
Genome position (GRCh38, 1-based): chr2:108,740,577, A>G. VCF-style: chr2-108740577-A-G. GRCh37 (hg19) VCF-style: chr2-109357033-A-G.
Other names: c.871A>G (NM_006267.4); short protein forms M291V.
Identifiers: ClinVar variation 999365 (VCV000999365.7), dbSNP rs542732311, ClinGen allele CA1822153.
Genomic context (GRCh38, chr2:108,740,577, plus strand): 5'-TCTTTGGGTGGAAATGATGAACTGTCAGCTACTTTCTTAGAAATGAAAGGACATTTCTAC[A>G]TGCATGCTGGTTCTCTGCTTTTGAAGATGGGTCAGCATAGTAGTAATGTTCAATGGCGAG-3'
Protein context (NP_006258.3, residues 281-301): TFLEMKGHFY[Met291Val]HAGSLLLKMG

ClinVar aggregate classification (germline): Uncertain significance. Review status: criteria provided, multiple submitters, no conflicts (2 of 4 stars). 2 submissions from 2 submitters: Uncertain significance (2). Last evaluated 2023-06-16.

Conditions:
Familial acute necrotizing encephalopathy (IIAE3). Also called: ENCEPHALOPATHY, ACUTE, INFECTION-INDUCED, SUSCEPTIBILITY TO, 3; Susceptibility to Acute Necrotizing Encephalopathy 1. Identifiers: Orphanet 88619, MedGen C2675556, MONDO:0011953, OMIM 608033.

Allele frequency attached by ClinVar (database versions not stated): TOPMed 0.00002; gnomAD 0.00003; 1000 Genomes Project 30x 0.00016; 1000 Genomes Project 0.00020.
gnomAD v4.1: 102 of 1,597,582 alleles (0.0064%); highest among the groups gnomAD compares: Non-Finnish European, 0.008%; no homozygotes.

Submissions (2):

Ambry Genetics
Classification: Uncertain significance. Last evaluated: 2023-06-16. Review status: criteria provided, single submitter. Criteria: Ambry Variant Classification Scheme 2023. Collection method: clinical testing. Allele origin: germline.

Labcorp Genetics (formerly Invitae), Labcorp
Classification: Uncertain significance for Familial acute necrotizing encephalopathy. Last evaluated: 2022-10-18. Review status: criteria provided, single submitter. Criteria: Invitae Variant Classification Sherloc (09022015). Collection method: clinical testing. Allele origin: germline.
Comment: In summary, the available evidence is currently insufficient to determine the role of this variant in disease. Therefore, it has been classified as a Variant of Uncertain Significance. Algorithms developed to predict the effect of missense changes on protein structure and function are either unavailable or do not agree on the potential impact of this missense change (SIFT: "Deleterious"; PolyPhen-2: "Benign"; Align-GVGD: "Class C15"). ClinVar contains an entry for this variant (Variation ID: 999365). This variant has not been reported in the literature in individuals affected with RANBP2-related conditions. This variant is present in population databases (rs542732311, gnomAD 0.006%). This sequence change replaces methionine, which is neutral and non-polar, with valine, which is neutral and non-polar, at codon 291 of the RANBP2 protein (p.Met291Val).